The following is an entry in ClinVar:

ClinVar aggregate classification (germline): Pathogenic (1 of 4 stars; one submission).

Conditions:
Aortic valve disease 2 (AOVD2). Identifiers: MedGen C3542024, MONDO:0013902, OMIM 614823.

Submission:

Labcorp Genetics (formerly Invitae), Labcorp
Classification: Pathogenic for Aortic valve disease 2. Last evaluated: 2021-01-25. Review status: criteria provided, single submitter. Criteria: Invitae Variant Classification Sherloc (09022015). Collection method: clinical testing. Allele origin: germline.
Comment: This sequence change creates a premature translational stop signal (p.Tyr255*) in the TBX5 gene. It is expected to result in an absent or disrupted protein product. Loss-of-function variants in TBX5 are known to be pathogenic (PMID: 16183809, 16917909). This variant is not present in population databases (ExAC no frequency). This variant has not been reported in the literature in individuals with TBX5-related conditions. For these reasons, this variant has been classified as Pathogenic.

Literature cited by the submitters: PubMed 16183809; PubMed 16917909.

NM_181486.4(TBX5):c.765T>A (p.Tyr255Ter)

Gene: TBX5 (T-box transcription factor 5; minus strand). Cytogenetic location: 12q24.21.
Variant type: single nucleotide variant.
Coding change: c.765T>A on transcript NM_181486.4 (MANE Select); coding-DNA position 765, T replaced by A.
Protein change: p.Tyr255Ter; replaces tyrosine 255 with a stop codon.
Molecular consequence: nonsense.
Genome position (GRCh38, 1-based): chr12:114,366,382, A>T on the plus strand (T>A on the coding strand, the complement: TBX5 is on the minus strand). VCF-style: chr12-114366382-A-T. GRCh37 (hg19) VCF-style: chr12-114804187-A-T.
Other names: c.765T>A, p.Tyr255Ter (NM_000192.3); c.615T>A, p.Tyr205Ter (NM_080717.4); short protein forms Y205*, Y255*.
Identifiers: ClinVar variation 1072954 (VCV001072954.7), dbSNP rs2136373795, ClinGen allele CA386926674.